The following is an entry in ClinVar:

NM_001198800.3(ASCC1):c.869A>G (p.Asn290Ser)

Gene: ASCC1 (activating signal cointegrator 1 complex subunit 1; minus strand). Cytogenetic location: 10q22.1.
Variant type: single nucleotide variant.
Coding change: c.869A>G on transcript NM_001198800.3 (MANE Select); coding-DNA position 869, A replaced by G.
Protein change: p.Asn290Ser; replaces asparagine 290 with serine.
Molecular consequence: missense variant. On other transcripts: non-coding transcript variant (1).
Genome position (GRCh38, 1-based): chr10:72,133,059, T>C on the plus strand (A>G on the coding strand, the complement: ASCC1 is on the minus strand). VCF-style: chr10-72133059-T-C. GRCh37 (hg19) VCF-style: chr10-73892817-T-C.
Other names: p.Asn290Ser; c.869A>G, p.Asn290Ser (NM_001369111.1, NM_001198798.2, NM_001369087.1 and 12 more transcripts); c.749A>G, p.Asn250Ser (NM_001369112.1, NM_001369100.1, NM_001369103.1 and 3 more transcripts); c.953A>G, p.Asn318Ser (NM_001198799.3); c.935A>G, p.Asn312Ser (NM_001369085.1, NM_001369086.1); c.815A>G, p.Asn272Ser (NM_001369099.1); c.752A>G, p.Asn251Ser (NM_001369101.1, NM_001369102.1, NM_001369105.1 and 2 more transcripts); short protein forms N290S, N318S, N272S, N250S, N251S, N312S.
Identifiers: ClinVar variation 31129 (VCV000031129.43), dbSNP rs146370051, ClinGen allele CA129699.

ClinVar aggregate classification (germline): Benign/Likely benign. Review status: criteria provided, multiple submitters, no conflicts (2 of 4 stars). 9 submissions from 9 submitters: Benign (2); Likely benign (6). 1 of the submissions does not count toward it. Last evaluated 2026-09-01.

Conditions:
ASCC1-related disorder. Also called: ASCC1-Related Disorders; ASCC1-related condition.
Spinal muscular atrophy with congenital bone fractures 2 (SMABF2). Identifiers: MedGen C4225176, MONDO:0014807, OMIM 616867.
BARRETT ESOPHAGUS/ESOPHAGEAL ADENOCARCINOMA. Identifiers: MedGen C3277074.

Allele frequency attached by ClinVar (database versions not stated): gnomAD exomes 0.00117 and 0.00211; 1000 Genomes Project 30x 0.00109; TOPMed 0.00129; gnomAD 0.00135 and 0.00131; 1000 Genomes Project 0.00100; ExAC 0.00117; ESP Exome Variant Server 0.00123.
gnomAD v4.1: 3,247 of 1,613,978 alleles (0.2%); highest among the groups gnomAD compares: Middle Eastern, 0.48%; 3 homozygotes.

Submissions (9):

CeGaT Center for Human Genetics Tuebingen
Classification: Likely benign. Last evaluated: 2026-09-01. Review status: criteria provided, single submitter. Criteria: CeGaT Center For Human Genetics Tuebingen Variant Classification Criteria Version 2. Collection method: clinical testing. Allele origin: germline. Affected: yes. Observed: 5 variant alleles.
Comment: ASCC1: BP4

Women's Health and Genetics/Laboratory Corporation of America, LabCorp
Classification: Likely benign. Last evaluated: 2026-05-08. Review status: criteria provided, single submitter. Criteria: LabCorp Variant Classification Summary - May 2015. Collection method: clinical testing. Allele origin: germline.
Comment: Variant summary: ASCC1 c.869A>G (p.Asn290Ser) results in a conservative amino acid change in the encoded protein sequence. Algorithms developed to predict the effect of missense changes on protein structure and function all suggest that this variant is likely to be tolerated. Consensus agreement among computation tools predict no significant impact on normal splicing. However, these predictions have yet to be confirmed by functional studies. The variant allele was found at a frequency of 0.0012 in 251444 control chromosomes, predominantly at a frequency of 0.0029 within the Ashkenazi Jewish subpopulation in the gnomAD database. The observed variant frequency within Ashkenazi Jewish control individuals in the gnomAD database exceeds the estimated maximal expected allele frequency for disease-causing variants in ASCC1. To our knowledge, no occurrence of c.869A>G in individuals affected with ASCC1-related conditions and no experimental evidence demonstrating its impact on protein function have been reported. ClinVar contains an entry for this variant (Variation ID: 31129). Based on the evidence outlined above, the variant was classified as likely benign.

Labcorp Genetics (formerly Invitae), Labcorp
Classification: Likely benign. Last evaluated: 2026-01-28. Review status: criteria provided, single submitter. Criteria: Invitae Variant Classification Sherloc (09022015). Collection method: clinical testing. Allele origin: germline.

PreventionGenetics, part of Exact Sciences
Classification: Likely benign for ASCC1-related condition. Last evaluated: 2024-10-03. Review status: criteria provided, single submitter. Criteria: ACMG Guidelines, 2015. Collection method: clinical testing. Allele origin: germline.
Comment: This variant is classified as likely benign based on ACMG/AMP sequence variant interpretation guidelines (Richards et al. 2015 PMID: 25741868, with internal and published modifications).

Mayo Clinic Laboratories, Mayo Clinic
Classification: Benign. Last evaluated: 2024-04-09. Review status: criteria provided, single submitter. Criteria: ACMG Guidelines, 2015. Collection method: clinical testing. Allele origin: germline. Observed: 4 variant alleles.
Comment: BS1, BS2, BP4

Mendelics
Classification: Benign for Spinal muscular atrophy with congenital bone fractures 2. Last evaluated: 2019-05-28. Review status: criteria provided, single submitter. Criteria: Mendelics Assertion Criteria 2017. Collection method: clinical testing. Allele origin: unknown.

Genomic Research Center, Shahid Beheshti University of Medical Sciences
Classification: Likely benign. Last evaluated: 2018-08-07. Review status: criteria provided, single submitter. Criteria: ACMG Guidelines, 2015. Collection method: clinical testing. Allele origin: inherited. Observed: 1 variant allele.

Breakthrough Genomics
Classification: Likely benign. Review status: criteria provided, single submitter. Criteria: ACMG Guidelines, 2015. Collection method: not provided. Allele origin: germline. Inheritance: Autosomal recessive inheritance. Affected: yes.

OMIM
Classification: Pathogenic for BARRETT ESOPHAGUS/ESOPHAGEAL ADENOCARCINOMA. Last evaluated: 2011-07-27. Review status: no assertion criteria provided. Collection method: literature only. Allele origin: germline. Not counted in ClinVar's aggregate classification.

Literature cited by the submitters: PubMed 21791690 (cited by OMIM).